The following is an entry in ClinVar:

NM_000075.4(CDK4):c.911G>T (p.Ter304Leu)

Genes: CDK4 (cyclin dependent kinase 4; minus strand), TSPAN31 (tetraspanin 31; plus strand). Cytogenetic location: 12q14.1.
Variant type: single nucleotide variant.
Coding change: c.911G>T on transcript NM_000075.4 (MANE Select); coding-DNA position 911, G replaced by T.
Protein change: p.Ter304Leu.
Molecular consequence: stop lost. On other transcripts: 3 prime UTR variant (3).
Genome position (GRCh38, 1-based): chr12:57,748,526, C>A on the plus strand (G>T on the coding strand, the complement: CDK4 is on the minus strand). VCF-style: chr12-57748526-C-A. GRCh37 (hg19) VCF-style: chr12-58142309-C-A.
Other names: *304L; c.*1236C>A (NM_001330168.2, NM_001330169.2, NM_005981.5).
Identifiers: ClinVar variation 823029 (VCV000823029.11), dbSNP rs1595107648, ClinGen allele CA385542104.

ClinVar aggregate classification (germline): Uncertain significance. Review status: criteria provided, multiple submitters, no conflicts (2 of 4 stars). 3 submissions from 3 submitters: Uncertain significance (3). Last evaluated 2025-10-30.

Conditions:
Familial melanoma. Also called: Hereditary melanoma; Hereditary cutaneous melanoma. Identifiers: Orphanet 618, MedGen C1512419, MONDO:0018961.
Hereditary cancer-predisposing syndrome. Also called: Tumor predisposition; Hereditary Cancer Syndrome; Neoplastic Syndromes, Hereditary; Hereditary neoplastic syndrome. Identifiers: Orphanet 140162, MedGen C0027672, MeSH D009386, MONDO:0015356.
CDK4-related disorder. Also called: CDK4-related condition.

Submissions (3):

Ambry Genetics
Classification: Uncertain significance for Hereditary cancer-predisposing syndrome. Last evaluated: 2025-10-30. Review status: criteria provided, single submitter. Criteria: Ambry Variant Classification Scheme 2023. Collection method: clinical testing. Allele origin: germline.
Comment: The c.911G>T variant (also known as p.*304LEXT*46), located in coding exon 7 of the CDK4 gene, results from a G to T substitution at nucleotide position 911. The stop codon at position 304 is replaced by leucine, resulting in an elongation of the protein by 46 amino acids. The exact functional impact of these inserted amino acids is unknown at this time. Since supporting evidence is limited at this time, the clinical significance of this alteration remains unclear.

PreventionGenetics, part of Exact Sciences
Classification: Uncertain significance for CDK4-related condition. Last evaluated: 2022-08-31. Review status: criteria provided, single submitter. Criteria: ACMG Guidelines, 2015. Collection method: clinical testing. Allele origin: germline.
Comment: The CDK4 c.911G>T variant is predicted to result in extension of the open reading frame (p.*304Leuext*46). This variant leads to the stop codon being substituted by a leucine residue (Leu) and subsequent protein elongation by 46 amino acids. To our knowledge, this variant has not been reported in the literature or in a large population database, indicating this variant is rare. It is interpreted as uncertain significance in ClinVar. At this time, the clinical significance of this variant is uncertain due to the absence of conclusive functional and genetic evidence.

Labcorp Genetics (formerly Invitae), Labcorp
Classification: Uncertain significance for Familial melanoma. Last evaluated: 2022-03-26. Review status: criteria provided, single submitter. Criteria: Invitae Variant Classification Sherloc (09022015). Collection method: clinical testing. Allele origin: germline.
Comment: In summary, the available evidence is currently insufficient to determine the role of this variant in disease. Therefore, it has been classified as a Variant of Uncertain Significance. ClinVar contains an entry for this variant (Variation ID: 823029). This variant has not been reported in the literature in individuals affected with CDK4-related conditions. This variant is not present in population databases (gnomAD no frequency). This sequence change disrupts the translational stop signal of the CDK4 mRNA. It is expected to extend the length of the CDK4 protein by 46 additional amino acid residues.